The following is an entry in ClinVar:

NM_031935.3(HMCN1):c.16522C>A (p.Gln5508Lys)

Genes: HMCN1 (hemicentin 1; plus strand), LOC126805953 (P300/CBP strongly-dependent group 1 enhancer GRCh37_chr1:186156636-186157835; plus strand). Cytogenetic location: 1q31.1.
Variant type: single nucleotide variant.
Coding change: c.16522C>A on transcript NM_031935.3 (MANE Select); coding-DNA position 16522, C replaced by A.
Protein change: p.Gln5508Lys; replaces glutamine 5508 with lysine.
Molecular consequence: missense variant.
Genome position (GRCh38, 1-based): chr1:186,187,990, C>A. VCF-style: chr1-186187990-C-A. GRCh37 (hg19) VCF-style: chr1-186157122-C-A.
Other names: short protein forms Q5508K.
Identifiers: ClinVar variation 1383485 (VCV001383485.6), dbSNP rs948532507, ClinGen allele CA33471871.
Genomic context (GRCh38, chr1:186,187,990, plus strand): 5'-ATGTGCTTCAACATGAGAGGAAGCTACCAGTGCATCGATACACCCTGTCCACCCAACTAC[C>A]AACGGGATCCTGTTTCAGGGTATGTCTTGCCTTCTCATCCCAGACATGCTTTTGAAAATC-3'
Protein context (NP_114141.2, residues 5498-5518): CIDTPCPPNY[Gln5508Lys]RDPVSGFCLK

ClinVar aggregate classification (germline): Uncertain significance (1 of 4 stars; one submission).

Allele frequency attached by ClinVar (database versions not stated): gnomAD exomes below 0.00001; TOPMed below 0.00001; gnomAD 0.00001.
gnomAD v4.1: 4 of 1,613,720 alleles (0.00025%); highest among the groups gnomAD compares: Non-Finnish European, 0.00034%; no homozygotes.

Submission:

Labcorp Genetics (formerly Invitae), Labcorp
Classification: Uncertain significance. Last evaluated: 2021-10-05. Review status: criteria provided, single submitter. Criteria: Invitae Variant Classification Sherloc (09022015). Collection method: clinical testing. Allele origin: germline.
Comment: This sequence change replaces glutamine with lysine at codon 5508 of the HMCN1 protein (p.Gln5508Lys). The glutamine residue is highly conserved and there is a small physicochemical difference between glutamine and lysine. This variant is not present in population databases (ExAC no frequency). In summary, the available evidence is currently insufficient to determine the role of this variant in disease. Therefore, it has been classified as a Variant of Uncertain Significance. Algorithms developed to predict the effect of missense changes on protein structure and function are either unavailable or do not agree on the potential impact of this missense change (SIFT: "Tolerated"; PolyPhen-2: "Possibly Damaging"; Align-GVGD: "Class C0"). This variant has not been reported in the literature in individuals affected with HMCN1-related conditions.